The following is an entry in ClinVar:

ClinVar aggregate classification (germline): Uncertain significance. Review status: criteria provided, multiple submitters, no conflicts (2 of 4 stars). 3 submissions from 3 submitters: Uncertain significance (3). Last evaluated 2025-12-01.

Allele frequency attached by ClinVar (database versions not stated): gnomAD exomes 0.00002.
gnomAD v4.1: 23 of 1,458,690 alleles (0.0016%); highest among the groups gnomAD compares: Middle Eastern, 0.037%; 1 homozygote.

Submissions (3):

CeGaT Center for Human Genetics Tuebingen
Classification: Uncertain significance. Last evaluated: 2025-12-01. Review status: criteria provided, single submitter. Criteria: CeGaT Center For Human Genetics Tuebingen Variant Classification Criteria Version 2. Collection method: clinical testing. Allele origin: germline. Affected: yes. Observed: 3 variant alleles.
Comment: OBSL1: PM2

Labcorp Genetics (formerly Invitae), Labcorp
Classification: Uncertain significance. Last evaluated: 2025-09-02. Review status: criteria provided, single submitter. Criteria: Invitae Variant Classification Sherloc (09022015). Collection method: clinical testing. Allele origin: germline.
Comment: This sequence change replaces aspartic acid, which is acidic and polar, with glycine, which is neutral and non-polar, at codon 63 of the OBSL1 protein (p.Asp63Gly). The frequency data for this variant in the population databases is considered unreliable, as metrics indicate poor data quality at this position in the gnomAD database. This variant has not been reported in the literature in individuals affected with OBSL1-related conditions. ClinVar contains an entry for this variant (Variation ID: 1445485). An algorithm developed to predict the effect of missense changes on protein structure and function (PolyPhen-2) suggests that this variant is likely to be tolerated. In summary, the available evidence is currently insufficient to determine the role of this variant in disease. Therefore, it has been classified as a Variant of Uncertain Significance.

Blueprint Genetics
Classification: Uncertain significance. Last evaluated: 2024-11-04. Review status: criteria provided, single submitter. Criteria: ACMG Guidelines, 2015. Collection method: clinical testing. Allele origin: germline.

NM_015311.3(OBSL1):c.188A>G (p.Asp63Gly)

Gene: OBSL1 (obscurin like cytoskeletal adaptor 1; minus strand). Cytogenetic location: 2q35.
Variant type: single nucleotide variant.
Coding change: c.188A>G on transcript NM_015311.3 (MANE Select); coding-DNA position 188, A replaced by G.
Protein change: p.Asp63Gly; replaces aspartic acid 63 with glycine.
Molecular consequence: missense variant.
Genome position (GRCh38, 1-based): chr2:219,571,045, T>C on the plus strand (A>G on the coding strand, the complement: OBSL1 is on the minus strand). VCF-style: chr2-219571045-T-C. GRCh37 (hg19) VCF-style: chr2-220435767-T-C.
Other names: c.188A>G, p.Asp63Gly (NM_001173408.2, NM_001173431.2); short protein forms D63G.
Identifiers: ClinVar variation 1445485 (VCV001445485.30), dbSNP rs1364672065, ClinGen allele CA350766124.